The following is an entry in ClinVar:

ClinVar aggregate classification (germline): Uncertain significance (0 of 4 stars; one submission).

Conditions:
Prostate cancer. Also called: Malignant tumor of prostate. Identifiers: Orphanet 1331, MedGen C0376358, MONDO:0008315, HP:0012125.

gnomAD v4.1: 2 of 1,614,202 alleles (0.00012%); highest among the groups gnomAD compares: South Asian, 0.0011%; no homozygotes.

Submission:

Science for Life laboratory,  Karolinska Institutet
Classification: Uncertain significance for Malignant tumor of prostate. Review status: no assertion criteria provided. Collection method: not provided. Allele origin: somatic.
Comment: TumorID:SWE-3
ClinVar note: Converted during submission from Unknown to Uncertain significance.

NM_000888.5(ITGB6):c.1460G>A (p.Gly487Glu)

Gene: ITGB6 (integrin subunit beta 6; minus strand). Cytogenetic location: 2q24.2.
Variant type: single nucleotide variant.
Coding change: c.1460G>A on transcript NM_000888.5 (MANE Select); coding-DNA position 1460, G replaced by A.
Protein change: p.Gly487Glu; replaces glycine 487 with glutamic acid.
Molecular consequence: missense variant.
Genome position (GRCh38, 1-based): chr2:160,137,634, C>T on the plus strand (G>A on the coding strand, the complement: ITGB6 is on the minus strand). VCF-style: chr2-160137634-C-T. GRCh37 (hg19) VCF-style: chr2-160994145-C-T.
Other names: c.1175G>A, p.Gly392Glu (NM_001282354.2); c.1460G>A, p.Gly487Glu (NM_001282355.2, NM_001282353.2); c.1334G>A, p.Gly445Glu (NM_001282388.2); c.1241G>A, p.Gly414Glu (NM_001282389.2); c.1046G>A, p.Gly349Glu (NM_001282390.2); short protein forms G487E, G392E, G445E, G349E, G414E.
Identifiers: ClinVar variation 161475 (VCV000161475.2), dbSNP rs193920975, ClinGen allele CA214524.